The following is an entry in ClinVar:

NM_001378030.1(CCDC78):c.1081T>C (p.Ser361Pro)

Gene: CCDC78 (coiled-coil domain containing 78; minus strand). Cytogenetic location: 16p13.3.
Variant type: single nucleotide variant.
Coding change: c.1081T>C on transcript NM_001378030.1 (MANE Select); coding-DNA position 1081, T replaced by C.
Protein change: p.Ser361Pro; replaces serine 361 with proline.
Molecular consequence: missense variant. On other transcripts: non-coding transcript variant (5), intron variant (1).
Genome position (GRCh38, 1-based): chr16:723,909, A>G on the plus strand (T>C on the coding strand, the complement: CCDC78 is on the minus strand). VCF-style: chr16-723909-A-G. GRCh37 (hg19) VCF-style: chr16-773909-A-G.
Other names: c.1081T>C, p.Ser361Pro (NM_001031737.3); c.514T>C, p.Ser172Pro (NM_001378033.1); c.953+413T>C (NM_001378031.1); short protein forms S172P, S361P.
Identifiers: ClinVar variation 2988003 (VCV002988003.3), dbSNP rs1462660693, ClinGen allele CA394098445.

ClinVar aggregate classification (germline): Uncertain significance (1 of 4 stars; one submission).

Conditions:
Congenital myopathy with internal nuclei and atypical cores. Also called: Myopathy, centronuclear, 4. Identifiers: Orphanet 319160, MedGen C4707232, MONDO:0013890, OMIM 614807.

Allele frequency attached by ClinVar (database versions not stated): gnomAD 0.00001; TOPMed 0.00002.
gnomAD v4.1: 7 of 1,601,140 alleles (0.00044%); highest among the groups gnomAD compares: African/African-American, 0.0094%; no homozygotes.

Submission:

Labcorp Genetics (formerly Invitae), Labcorp
Classification: Uncertain significance for Congenital myopathy with internal nuclei and atypical cores. Last evaluated: 2023-02-13. Review status: criteria provided, single submitter. Criteria: Invitae Variant Classification Sherloc (09022015). Collection method: clinical testing. Allele origin: germline.
Comment: This variant has not been reported in the literature in individuals affected with CCDC78-related conditions. This sequence change replaces serine, which is neutral and polar, with proline, which is neutral and non-polar, at codon 361 of the CCDC78 protein (p.Ser361Pro). The frequency data for this variant in the population databases is considered unreliable, as metrics indicate poor data quality at this position in the gnomAD database. Advanced modeling of protein sequence and biophysical properties (such as structural, functional, and spatial information, amino acid conservation, physicochemical variation, residue mobility, and thermodynamic stability) performed at Invitae indicates that this missense variant is not expected to disrupt CCDC78 protein function. In summary, the available evidence is currently insufficient to determine the role of this variant in disease. Therefore, it has been classified as a Variant of Uncertain Significance.